The following is an entry in ClinVar:

NM_001322934.2(NFKB2):c.991+6G>A

Gene: NFKB2 (nuclear factor kappa B subunit 2; plus strand). Cytogenetic location: 10q24.32.
Variant type: single nucleotide variant.
Coding change: c.991+6G>A on transcript NM_001322934.2 (MANE Select); 6 bases into the intron after coding-DNA position 991, G replaced by A.
Molecular consequence: intron variant.
Genome position (GRCh38, 1-based): chr10:102,398,529, G>A. VCF-style: chr10-102398529-G-A. GRCh37 (hg19) VCF-style: chr10-104158286-G-A.
Other names: c.991+6G>A (NM_001288724.1, NM_001322935.1, NM_001077494.3 and 2 more transcripts).
Identifiers: ClinVar variation 2046490 (VCV002046490.4), dbSNP rs761136492, ClinGen allele CA5664681.

ClinVar aggregate classification (germline): Uncertain significance (1 of 4 stars; one submission).

Conditions:
Immunodeficiency, common variable, 10. Also called: IMMUNODEFICIENCY, COMMON VARIABLE, WITH CENTRAL ADRENAL INSUFFICIENCY; DEFICIT IN ANTERIOR PITUITARY FUNCTION AND VARIABLE IMMUNODEFICIENCY. Identifiers: MedGen C3809991, MONDO:0014260, OMIM 615577.

Allele frequency attached by ClinVar (database versions not stated): ExAC 0.00002; TOPMed below 0.00001; gnomAD 0.00004; gnomAD exomes 0.00001.

Submission:

Labcorp Genetics (formerly Invitae), Labcorp
Classification: Uncertain significance for Immunodeficiency, common variable, 10. Last evaluated: 2022-09-02. Review status: criteria provided, single submitter. Criteria: Invitae Variant Classification Sherloc (09022015). Collection method: clinical testing. Allele origin: germline.
Comment: This sequence change falls in intron 11 of the NFKB2 gene. It does not directly change the encoded amino acid sequence of the NFKB2 protein. It affects a nucleotide within the consensus splice site. This variant is present in population databases (rs761136492, gnomAD 0.01%). This variant has not been reported in the literature in individuals affected with NFKB2-related conditions. Variants that disrupt the consensus splice site are a relatively common cause of aberrant splicing (PMID: 17576681, 9536098). Algorithms developed to predict the effect of sequence changes on RNA splicing suggest that this variant is not likely to affect RNA splicing. In summary, the available evidence is currently insufficient to determine the role of this variant in disease. Therefore, it has been classified as a Variant of Uncertain Significance.

Literature cited by the submitters: PubMed 17576681; PubMed 9536098.